The following is an entry in ClinVar:

ClinVar aggregate classification (germline): Likely benign. Review status: criteria provided, single submitter (1 of 4 stars). 2 submissions from 2 submitters: Likely benign (1). 1 of the submissions does not count toward it. Last evaluated 2025-08-20.

Conditions:
LCK-related disorder. Also called: LCK-related condition.
Severe combined immunodeficiency due to LCK deficiency. Also called: Immunodeficiency 22. Identifiers: Orphanet 280142, MedGen C4014233, MONDO:0014334, OMIM 615758.

Allele frequency attached by ClinVar (database versions not stated): TOPMed 0.00001; ExAC 0.00002; gnomAD 0.00002; gnomAD exomes 0.00002.
gnomAD v4.1: 27 of 1,614,044 alleles (0.0017%); highest among the groups gnomAD compares: East Asian, 0.0022%; no homozygotes.

Submissions (2):

Labcorp Genetics (formerly Invitae), Labcorp
Classification: Likely benign for Severe combined immunodeficiency due to LCK deficiency. Last evaluated: 2025-08-20. Review status: criteria provided, single submitter. Criteria: Invitae Variant Classification Sherloc (09022015). Collection method: clinical testing. Allele origin: germline.

PreventionGenetics, part of Exact Sciences
Classification: Likely benign for LCK-related condition. Last evaluated: 2023-11-07. Review status: no assertion criteria provided. Collection method: clinical testing. Allele origin: germline. Not counted in ClinVar's aggregate classification.
Comment: This variant is classified as likely benign based on ACMG/AMP sequence variant interpretation guidelines (Richards et al. 2015 PMID: 25741868, with internal and published modifications).

NM_005356.5(LCK):c.504G>A (p.Arg168=)

Gene: LCK (LCK proto-oncogene, Src family tyrosine kinase; plus strand). Cytogenetic location: 1p35.2.
Variant type: single nucleotide variant.
Coding change: c.504G>A on transcript NM_005356.5 (MANE Select); coding-DNA position 504, G replaced by A.
Protein change: p.Arg168=; no amino-acid change (arginine 168 retained).
Molecular consequence: synonymous variant.
Genome position (GRCh38, 1-based): chr1:32,275,936, G>A. VCF-style: chr1-32275936-G-A. GRCh37 (hg19) VCF-style: chr1-32741537-G-A.
Other names: c.504G>A, p.Arg168= (NM_001042771.3, NM_001330468.2); c.504G>A (NM_001042771.2).
Identifiers: ClinVar variation 1495680 (VCV001495680.8), dbSNP rs764228746, ClinGen allele CA741126.
Genomic context (GRCh38, chr1:32,275,936, plus strand): 5'-GTTCTTTCGTCGCTTTGTCCATCCATTCATTCATTCAGGATCGTTTTCACTGTCGGTCCG[G>A]GACTTCGACCAGAACCAGGGAGAGGTGGTGAAACATTACAAGATCCGTAATCTGGACAAC-3'
Protein context (NP_005347.3, residues 158-178): STAGSFSLSV[Arg168=]DFDQNQGEVV